The following is an entry in ClinVar:

NM_001166108.2(PALLD):c.2800C>T (p.Pro934Ser)

Genes: CBR4 (carbonyl reductase 4; minus strand), PALLD (palladin, cytoskeletal associated protein; plus strand). Cytogenetic location: 4q32.3.
Variant type: single nucleotide variant.
Coding change: c.2800C>T on transcript NM_001166108.2 (MANE Select); coding-DNA position 2800, C replaced by T.
Protein change: p.Pro934Ser; replaces proline 934 with serine.
Molecular consequence: missense variant.
Genome position (GRCh38, 1-based): chr4:168,915,977, C>T. VCF-style: chr4-168915977-C-T. GRCh37 (hg19) VCF-style: chr4-169837128-C-T.
Other names: c.1603C>T, p.Pro535Ser (NM_001166109.2); c.1288C>T, p.Pro430Ser (NM_001166110.2); c.628C>T, p.Pro210Ser (NM_001367567.1, NM_001367569.1); c.679C>T, p.Pro227Ser (NM_001367568.1, NM_001367570.1); c.2749C>T, p.Pro917Ser (NM_016081.4); short protein forms P917S, P210S, P227S, P430S, P535S, P934S.
Identifiers: ClinVar variation 2695438 (VCV002695438.3), dbSNP rs2534079590, ClinGen allele CA358706811.

ClinVar aggregate classification (germline): Uncertain significance (1 of 4 stars; one submission).

Conditions:
Pancreatic adenocarcinoma. Identifiers: MedGen C0281361, MONDO:0006047, HP:0006725.

Submission:

Labcorp Genetics (formerly Invitae), Labcorp
Classification: Uncertain significance for Pancreatic adenocarcinoma. Last evaluated: 2023-11-13. Review status: criteria provided, single submitter. Criteria: Invitae Variant Classification Sherloc (09022015). Collection method: clinical testing. Allele origin: germline.
Comment: This sequence change replaces proline, which is neutral and non-polar, with serine, which is neutral and polar, at codon 430 of the PALLD protein (p.Pro430Ser). This variant is not present in population databases (gnomAD no frequency). This variant has not been reported in the literature in individuals affected with PALLD-related conditions. An algorithm developed to predict the effect of missense changes on protein structure and function (PolyPhen-2) suggests that this variant is likely to be disruptive. In summary, the available evidence is currently insufficient to determine the role of this variant in disease. Therefore, it has been classified as a Variant of Uncertain Significance.